The following is an entry in ClinVar:

ClinVar aggregate classification (germline): Uncertain significance (1 of 4 stars; one submission).

Allele frequency attached by ClinVar (database versions not stated): gnomAD exomes below 0.00001 and 0.00001; TOPMed 0.00004; gnomAD 0.00005.
gnomAD v4.1: 6 of 1,208,669 alleles (0.0005%); highest among the groups gnomAD compares: African/African-American, 0.011%; no homozygotes.

Submission:

GeneDx
Classification: Uncertain significance. Last evaluated: 2016-03-07. Review status: criteria provided, single submitter. Criteria: GeneDx Variant Classification (06012015). Collection method: clinical testing. Allele origin: germline. Affected: yes.
Comment: A variant of uncertain significance has been identified in the CDKL5 gene. The P354S variant hasnot been published as a pathogenic variant, nor has it been reported as a benign variant to ourknowledge. It was not observed in approximately 6,500 individuals of European and AfricanAmerican ancestry in the NHLBI Exome Sequencing Project, indicating it is not a common benignvariant in these populations. The P354S variant is a non-conservative amino acid substitution,which is likely to impact secondary protein structure as these residues differ in polarity, charge,size and/or other properties. However, this substitution occurs at a position that is not conserved.In silico analysis is inconsistent in its predictions as to whether or not the variant is damaging tothe protein structure/function. Therefore, based on the currently available information, it is unclearwhether this variant is a pathogenic variant or a rare benign variant.

NM_001323289.2(CDKL5):c.1060C>T (p.Pro354Ser)

Gene: CDKL5 (cyclin dependent kinase like 5; plus strand). Cytogenetic location: Xp22.13.
Variant type: single nucleotide variant.
Coding change: c.1060C>T on transcript NM_001323289.2 (MANE Select); coding-DNA position 1060, C replaced by T.
Protein change: p.Pro354Ser; replaces proline 354 with serine.
Molecular consequence: missense variant.
Genome position (GRCh38, 1-based): chrX:18,603,984, C>T. VCF-style: chrX-18603984-C-T. GRCh37 (hg19) VCF-style: chrX-18622104-C-T.
Other names: c.1060C>T, p.Pro354Ser (NM_001037343.2, NM_003159.3); short protein forms P354S.
Identifiers: ClinVar variation 420619 (VCV000420619.2), dbSNP rs1064794591, ClinGen allele CA16621276.